The following is an entry in ClinVar:

NM_015981.4(CAMK2A):c.1426G>A (p.Val476Ile)

Gene: CAMK2A (calcium/calmodulin dependent protein kinase II alpha; minus strand). Cytogenetic location: 5q32.
Variant type: single nucleotide variant.
Coding change: c.1426G>A on transcript NM_015981.4 (MANE Select); coding-DNA position 1426, G replaced by A.
Protein change: p.Val476Ile; replaces valine 476 with isoleucine.
Molecular consequence: missense variant.
Genome position (GRCh38, 1-based): chr5:150,223,029, C>T on the plus strand (G>A on the coding strand, the complement: CAMK2A is on the minus strand). VCF-style: chr5-150223029-C-T. GRCh37 (hg19) VCF-style: chr5-149602592-C-T.
Other names: c.1426G>A, p.Val476Ile (NM_001363989.1); c.1393G>A, p.Val465Ile (NM_001363990.1, NM_001369025.2, NM_171825.3); short protein forms V465I, V476I.
Identifiers: ClinVar variation 4689094 (VCV004689094.1).

ClinVar aggregate classification (germline): Uncertain significance (1 of 4 stars; one submission).

gnomAD v4.1: 11 of 1,614,232 alleles (0.00068%); highest among the groups gnomAD compares: Admixed American, 0.0017%; no homozygotes.

Submission:

Women's Health and Genetics/Laboratory Corporation of America, LabCorp
Classification: Uncertain significance. Last evaluated: 2026-01-29. Review status: criteria provided, single submitter. Criteria: LabCorp Variant Classification Summary - May 2015. Collection method: clinical testing. Allele origin: germline.
Comment: Variant summary: CAMK2A c.1426G>A (p.Val476Ile) results in a conservative amino acid change in the encoded protein sequence. Algorithms developed to predict the effect of missense changes on protein structure and function are either unavailable or do not agree on the potential impact of this missense change. The variant allele was found at a frequency of 8e-06 in 248774 control chromosomes. The available data on variant occurrences in the general population are insufficient to allow any conclusion about variant significance. To our knowledge, no occurrence of c.1426G>A in individuals affected with CAMK2A-related conditions and no experimental evidence demonstrating its impact on protein function have been reported. No submitters have cited clinical-significance assessments for this variant to ClinVar. Based on the evidence outlined above, the variant was classified as uncertain significance.